The following is an entry in ClinVar:

ClinVar aggregate classification (germline): Conflicting classifications of pathogenicity. Review status: criteria provided, conflicting classifications (1 of 4 stars). 7 submissions from 7 submitters: Uncertain significance (1); Benign (4); Likely benign (2). Last evaluated 2026-04-01.

Conditions:
Complement 3 glomerulopathy. Also called: C3 Glomerulopathy. Identifiers: Orphanet 329918, MedGen C4087273, MONDO:0018013.
Primary ciliary dyskinesia. Also called: Ciliary dyskinesia. Identifiers: Orphanet 244, MedGen C0008780, MONDO:0016575, HP:0012265.

Allele frequency attached by ClinVar (database versions not stated): 1000 Genomes Project 30x 0.00328; 1000 Genomes Project 0.00339; TOPMed 0.00597; ESP Exome Variant Server 0.00630; gnomAD exomes 0.00729; ExAC 0.00746; gnomAD 0.00960.
gnomAD v4.1: 14,815 of 1,613,384 alleles (0.92%); highest among the groups gnomAD compares: Non-Finnish European, 1%; 120 homozygotes.

Submissions (7):

Department of Human Genetics, Hannover Medical School
Classification: Uncertain significance for Primary Ciliary Dyskinesia. Last evaluated: 2026-04-01. Review status: criteria provided, single submitter. Criteria: ACMG Guidelines, 2015. Collection method: research. Allele origin: germline. Affected: no.
Comment: Classification performed by HerediClassify using the following criteria:['PVS1_protein_strong: Transcript ENST00000367415 is not predicted to undergo NMD. Protein length change of 0.2666666666666667 observed.']

Women's Health and Genetics/Laboratory Corporation of America, LabCorp
Classification: Benign. Last evaluated: 2026-01-28. Review status: criteria provided, single submitter. Criteria: LabCorp Variant Classification Summary - May 2015. Collection method: clinical testing. Allele origin: germline.
Comment: Variant summary: CFHR2 c.595G>T (p.Glu199X) results in a premature termination codon, predicted to cause a truncation of the encoded protein or absence of the protein due to nonsense mediated decay, however current evidence is not sufficient to establish loss of function as a mechanism for disease. The variant allele was found at a frequency of 0.0073 in 251060 control chromosomes, predominantly at a frequency of 0.0096 within the Non-Finnish European subpopulation in the gnomAD database, including 8 homozygotes. The observed variant frequency within Non-Finnish European control individuals in the gnomAD database exceeds the estimated maximal expected allele frequency for disease-causing variants in CFHR2. To our knowledge, no occurrence of c.595G>T in individuals affected with CFHR2-related conditions and no experimental evidence demonstrating its impact on protein function have been reported. ClinVar contains an entry for this variant (Variation ID: 773118). Based on the evidence outlined above, the variant was classified as benign.

Mayo Clinic Laboratories, Mayo Clinic
Classification: Likely benign. Last evaluated: 2025-11-03. Review status: criteria provided, single submitter. Criteria: ACMG Guidelines, 2015. Collection method: clinical testing. Allele origin: germline. Observed: 17 variant alleles.

CeGaT Center for Human Genetics Tuebingen
Classification: Likely benign. Last evaluated: 2024-05-01. Review status: criteria provided, single submitter. Criteria: CeGaT Center For Human Genetics Tuebingen Variant Classification Criteria Version 2. Collection method: clinical testing. Allele origin: germline. Affected: yes. Observed: 2 variant alleles.
Comment: CFHR2: BS2

Molecular Genetics, Royal Melbourne Hospital
Classification: Benign for Complement 3 glomerulopathy. Last evaluated: 2024-04-07. Review status: criteria provided, single submitter. Criteria: ACMG Guidelines, 2015. Collection method: clinical testing. Allele origin: germline. Inheritance: Autosomal recessive inheritance.

Labcorp Genetics (formerly Invitae), Labcorp
Classification: Benign. Last evaluated: 2019-12-31. Review status: criteria provided, single submitter. Criteria: Invitae Variant Classification Sherloc (09022015). Collection method: clinical testing. Allele origin: germline.

Breakthrough Genomics
Classification: Benign. Review status: criteria provided, single submitter. Criteria: ACMG Guidelines, 2015. Collection method: not provided. Allele origin: germline. Inheritance: Unknown mechanism. Affected: yes.

Literature cited by the submitters: PubMed 29093712 (cited by Mayo Clinic Laboratories, Mayo Clinic); PubMed 34260947 (cited by Mayo Clinic Laboratories, Mayo Clinic); PubMed 36053979 (cited by Mayo Clinic Laboratories, Mayo Clinic).

NM_005666.4(CFHR2):c.595G>T (p.Glu199Ter)

Gene: CFHR2 (complement factor H related 2; plus strand). Cytogenetic location: 1q31.3.
Variant type: single nucleotide variant.
Coding change: c.595G>T on transcript NM_005666.4 (MANE Select); coding-DNA position 595, G replaced by T.
Protein change: p.Glu199Ter; replaces glutamic acid 199 with a stop codon.
Molecular consequence: nonsense.
Genome position (GRCh38, 1-based): chr1:196,958,055, G>T. VCF-style: chr1-196958055-G-T. GRCh37 (hg19) VCF-style: chr1-196927185-G-T.
Other names: p.Glu199*; c.223G>T, p.Glu75Ter (NM_001312672.1); short protein forms E75*, E199*.
Identifiers: ClinVar variation 773118 (VCV000773118.33), dbSNP rs41257904, ClinGen allele CA1307493.